The following is an entry in ClinVar:

ClinVar aggregate classification (germline): Uncertain significance (1 of 4 stars; one submission).

Conditions:
Hereditary cancer-predisposing syndrome. Also called: Hereditary neoplastic syndrome; Hereditary Cancer Syndrome; Neoplastic Syndromes, Hereditary; Tumor predisposition. Identifiers: Orphanet 140162, MedGen C0027672, MeSH D009386, MONDO:0015356.

Submission:

Ambry Genetics
Classification: Uncertain significance for Hereditary cancer-predisposing syndrome. Last evaluated: 2023-05-23. Review status: criteria provided, single submitter. Criteria: Ambry Variant Classification Scheme 2023. Collection method: clinical testing. Allele origin: germline.
Comment: The p.I1261S variant (also known as c.3782T>G), located in coding exon 25 of the ATM gene, results from a T to G substitution at nucleotide position 3782. The isoleucine at codon 1261 is replaced by serine, an amino acid with dissimilar properties. This amino acid position is conserved. In addition, the in silico prediction for this alteration is inconclusive. Since supporting evidence is limited at this time, the clinical significance of this alteration remains unclear.

NM_000051.4(ATM):c.3782T>G (p.Ile1261Ser)

Gene: ATM (ATM serine/threonine kinase; plus strand). Cytogenetic location: 11q22.3.
Variant type: single nucleotide variant.
Coding change: c.3782T>G on transcript NM_000051.4 (MANE Select); coding-DNA position 3782, T replaced by G.
Protein change: p.Ile1261Ser; replaces isoleucine 1261 with serine.
Molecular consequence: missense variant.
Genome position (GRCh38, 1-based): chr11:108,284,262, T>G. VCF-style: chr11-108284262-T-G. GRCh37 (hg19) VCF-style: chr11-108154989-T-G.
Other names: c.3782T>G, p.Ile1261Ser (NM_001351834.2); short protein forms I1261S.
Identifiers: ClinVar variation 2568233 (VCV002568233.2), dbSNP rs2546886126, ClinGen allele CA382524532.